The following is an entry in ClinVar:

ClinVar aggregate classification (germline): Uncertain significance (1 of 4 stars; one submission).

Conditions:
Tuberous sclerosis 1 (TSC1). Identifiers: Orphanet 805, MedGen C1854465, MONDO:0008612, OMIM 191100.

Submission:

Labcorp Genetics (formerly Invitae), Labcorp
Classification: Uncertain significance for Tuberous sclerosis 1. Last evaluated: 2023-12-11. Review status: criteria provided, single submitter. Criteria: Invitae Variant Classification Sherloc (09022015). Collection method: clinical testing. Allele origin: germline.
Comment: This sequence change replaces valine, which is neutral and non-polar, with glutamic acid, which is acidic and polar, at codon 640 of the TSC1 protein (p.Val640Glu). This variant is not present in population databases (gnomAD no frequency). This variant has not been reported in the literature in individuals affected with TSC1-related conditions. ClinVar contains an entry for this variant (Variation ID: 1465269). Advanced modeling of protein sequence and biophysical properties (such as structural, functional, and spatial information, amino acid conservation, physicochemical variation, residue mobility, and thermodynamic stability) performed at Invitae indicates that this missense variant is not expected to disrupt TSC1 protein function with a negative predictive value of 95%. In summary, the available evidence is currently insufficient to determine the role of this variant in disease. Therefore, it has been classified as a Variant of Uncertain Significance.

NM_000368.5(TSC1):c.1919T>A (p.Val640Glu)

Gene: TSC1 (TSC complex subunit 1; minus strand). Cytogenetic location: 9q34.13.
Variant type: single nucleotide variant.
Coding change: c.1919T>A on transcript NM_000368.5 (MANE Select); coding-DNA position 1919, T replaced by A.
Protein change: p.Val640Glu; replaces valine 640 with glutamic acid.
Molecular consequence: missense variant.
Genome position (GRCh38, 1-based): chr9:132,905,659, A>T on the plus strand (T>A on the coding strand, the complement: TSC1 is on the minus strand). VCF-style: chr9-132905659-A-T. GRCh37 (hg19) VCF-style: chr9-135781046-A-T.
Other names: c.1916T>A, p.Val639Glu (NM_001162426.2); c.1766T>A, p.Val589Glu (NM_001162427.2); c.1556T>A, p.Val519Glu (NM_001362177.2); short protein forms V589E, V640E, V519E, V639E.
Identifiers: ClinVar variation 1465269 (VCV001465269.8), dbSNP rs2131813212, ClinGen allele CA375362667.